The following is an entry in ClinVar:

NM_153460.4(IL17RC):c.175C>G (p.Pro59Ala)

Gene: IL17RC (interleukin 17 receptor C; plus strand). Cytogenetic location: 3p25.3.
Variant type: single nucleotide variant.
Coding change: c.175C>G on transcript NM_153460.4 (MANE Select); coding-DNA position 175, C replaced by G.
Protein change: p.Pro59Ala; replaces proline 59 with alanine.
Molecular consequence: missense variant. On other transcripts: non-coding transcript variant (1).
Genome position (GRCh38, 1-based): chr3:9,917,970, C>G. VCF-style: chr3-9917970-C-G. GRCh37 (hg19) VCF-style: chr3-9959654-C-G.
Other names: c.175C>G, p.Pro59Ala (NM_001203263.2, NM_001203264.2, NM_001203265.2 and 5 more transcripts); c.388C>G, p.Pro130Ala (NM_153461.4); short protein forms P59A, P130A.
Identifiers: ClinVar variation 2218859 (VCV002218859.7), dbSNP rs753283137, ClinGen allele CA351755008.
Genomic context (GRCh38, chr3:9,917,970, plus strand): 5'-CCTCCACACACAGACAGTGACATACTCTGCCTGCCTGGGGACATCGTGCCTGCTCCGGGC[C>G]CCGTGCTGGCGCCTACGCACCTGCAGACAGAGCTGGTGCTGAGGTGCCAGAAGGAGACCG-3'
Protein context (NP_703190.2, residues 49-69): LPGDIVPAPG[Pro59Ala]VLAPTHLQTE

ClinVar aggregate classification (germline): Uncertain significance. Review status: criteria provided, multiple submitters, no conflicts (2 of 4 stars). 4 submissions from 4 submitters: Uncertain significance (4). Last evaluated 2026-01-05.

Conditions:
Candidiasis, familial, 9 (CANDF9). Identifiers: Orphanet 1334, MedGen C4225324, MONDO:0014642, OMIM 616445.

Submissions (4):

Labcorp Genetics (formerly Invitae), Labcorp
Classification: Uncertain significance for Candidiasis, familial, 9. Last evaluated: 2026-01-05. Review status: criteria provided, single submitter. Criteria: Invitae Variant Classification Sherloc (09022015). Collection method: clinical testing. Allele origin: germline.
Comment: This sequence change replaces proline, which is neutral and non-polar, with alanine, which is neutral and non-polar, at codon 130 of the IL17RC protein (p.Pro130Ala). This variant is not present in population databases (gnomAD no frequency). This variant has not been reported in the literature in individuals affected with IL17RC-related conditions. ClinVar contains an entry for this variant (Variation ID: 2218859). An algorithm developed to predict the effect of missense changes on protein structure and function (PolyPhen-2) suggests that this variant is likely to be disruptive. In summary, the available evidence is currently insufficient to determine the role of this variant in disease. Therefore, it has been classified as a Variant of Uncertain Significance.

Ambry Genetics
Classification: Uncertain significance. Last evaluated: 2025-02-19. Review status: criteria provided, single submitter. Criteria: Ambry Variant Classification Scheme 2023. Collection method: clinical testing. Allele origin: germline.

Blueprint Genetics
Classification: Uncertain significance. Last evaluated: 2019-10-09. Review status: criteria provided, single submitter. Criteria: ACMG Guidelines, 2015. Collection method: clinical testing. Allele origin: germline.

Breakthrough Genomics
Classification: Uncertain significance. Review status: criteria provided, single submitter. Criteria: ACMG Guidelines, 2015. Collection method: not provided. Allele origin: germline. Inheritance: Autosomal recessive inheritance. Affected: yes.